The following is an entry in ClinVar:

ClinVar aggregate classification (germline): Likely benign (1 of 4 stars; one submission).

Conditions:
STEAP2-related disorder. Also called: STEAP2-related condition.

gnomAD v4.1: 20 of 1,602,028 alleles (0.0012%); highest among the groups gnomAD compares: African/African-American, 0.011%; no homozygotes.

Submission:

PreventionGenetics, part of Exact Sciences
Classification: Likely benign for STEAP2-related condition. Last evaluated: 2025-12-23. Review status: criteria provided, single submitter. Criteria: ACMG Guidelines, 2015. Collection method: clinical testing. Allele origin: germline.
Comment: This variant is classified as likely benign based on ACMG/AMP sequence variant interpretation guidelines (Richards et al. 2015 PMID: 25741868, with internal and published modifications).

NM_001244944.2(STEAP2):c.972G>A (p.Pro324=)

Gene: STEAP2 (STEAP2 metalloreductase; plus strand). Cytogenetic location: 7q21.13.
Variant type: single nucleotide variant.
Coding change: c.972G>A on transcript NM_001244944.2 (MANE Select); coding-DNA position 972, G replaced by A.
Protein change: p.Pro324=; no amino-acid change (proline 324 retained).
Molecular consequence: synonymous variant.
Genome position (GRCh38, 1-based): chr7:90,227,450, G>A. VCF-style: chr7-90227450-G-A. GRCh37 (hg19) VCF-style: chr7-89856764-G-A.
Other names: c.972G>A, p.Pro324= (NM_001040665.2, NM_001040666.2, NM_001244945.2 and 2 more transcripts).
Identifiers: ClinVar variation 4987674 (VCV004987674.1).